The following is an entry in ClinVar:

NM_133433.4(NIPBL):c.1495G>A (p.Asp499Asn)

Gene: NIPBL (NIPBL cohesin loading factor; plus strand). Cytogenetic location: 5p13.2.
Variant type: single nucleotide variant.
Coding change: c.1495G>A on transcript NM_133433.4 (MANE Select); coding-DNA position 1495, G replaced by A.
Protein change: p.Asp499Asn; replaces aspartic acid 499 with asparagine.
Molecular consequence: missense variant.
Genome position (GRCh38, 1-based): chr5:36,976,402, G>A. VCF-style: chr5-36976402-G-A. GRCh37 (hg19) VCF-style: chr5-36976504-G-A.
Other names: c.1495G>A, p.Asp499Asn (NM_015384.5); c.1495G>A (NM_133433.3); short protein forms D499N.
Identifiers: ClinVar variation 2431785 (VCV002431785.6), dbSNP rs2479131200, ClinGen allele CA359488182.
Genomic context (GRCh38, chr5:36,976,402, plus strand): 5'-CGAATAGAGAGAGAATCAGCTATTGAAAGGGAGCGCTTCTCAAAAGAAGTTCAAGATAAA[G>A]GTAAAATAATCTCATTATTACCACTTCATCATCTGGGCAAATATGTAATTATAGTGTCAA-3'
Protein context (NP_597677.2, residues 489-509): ERFSKEVQDK[Asp499Asn]KPLKKRKQDS

ClinVar aggregate classification (germline): Conflicting classifications of pathogenicity. Review status: criteria provided, conflicting classifications (1 of 4 stars). 3 submissions from 3 submitters: Likely pathogenic (1); Uncertain significance (2). Last evaluated 2023-12-15.

Conditions:
Cornelia de Lange syndrome 1 (CDLS1). Also called: Brachmann de Lange syndrome; TYPUS DEGENERATIVUS AMSTELODAMENSIS; NIPBL-Related Cornelia de Lange Syndrome. Identifiers: Orphanet 199, MedGen C4551851, MONDO:0007387, OMIM 122470.

Submissions (3):

GeneDx
Classification: Likely pathogenic. Last evaluated: 2023-12-15. Review status: criteria provided, single submitter. Criteria: GeneDx Variant Classification Process June 2021. Collection method: clinical testing. Allele origin: germline. Affected: yes.
Comment: Observed in one individual with Cornelia de Lange syndrome in published literature; however, no clinical information was provided (PMID: 35904121); Alters the last nucleotide of the exon and is predicted to destroy the splice donor site but the effect on protein function is unclear; Not observed at significant frequency in large population cohorts (gnomAD); This variant is associated with the following publications: (PMID: 35904121)

Labcorp Genetics (formerly Invitae), Labcorp
Classification: Uncertain significance for Cornelia de Lange syndrome 1. Last evaluated: 2023-10-09. Review status: criteria provided, single submitter. Criteria: Invitae Variant Classification Sherloc (09022015). Collection method: clinical testing. Allele origin: germline.
Comment: This sequence change replaces aspartic acid, which is acidic and polar, with asparagine, which is neutral and polar, at codon 499 of the NIPBL protein (p.Asp499Asn). This variant also falls at the last nucleotide of exon 9, which is part of the consensus splice site for this exon. This variant is not present in population databases (gnomAD no frequency). This variant has not been reported in the literature in individuals affected with NIPBL-related conditions. ClinVar contains an entry for this variant (Variation ID: 2431785). An algorithm developed to predict the effect of missense changes on protein structure and function (PolyPhen-2) suggests that this variant is likely to be disruptive. Variants that disrupt the consensus splice site are a relatively common cause of aberrant splicing (PMID: 17576681, 9536098). Algorithms developed to predict the effect of sequence changes on RNA splicing suggest that this variant may disrupt the consensus splice site. This variant disrupts the c.1495G nucleotide in the NIPBL gene. Other variant(s) that disrupt this nucleotide have been determined to be pathogenic (Invitae). This suggests that this nucleotide is clinically significant, and that variants that disrupt this position are likely to be disease-causing. In summary, the available evidence is currently insufficient to determine the role of this variant in disease. Therefore, it has been classified as a Variant of Uncertain Significance.

Laboratorio de Genetica e Diagnostico Molecular, Hospital Israelita Albert Einstein
Classification: Uncertain significance for Cornelia de Lange syndrome 1. Last evaluated: 2023-01-20. Review status: criteria provided, single submitter. Criteria: ACMG Guidelines, 2015. Collection method: clinical testing. Allele origin: germline. Affected: yes.
Comment: ACMG classification criteria: PVS1 moderated, PM2 moderated, PP2 supporting, PP3 supporting

Literature cited by the submitters: PubMed 17576681 (cited by Labcorp Genetics (formerly Invitae), Labcorp); PubMed 9536098 (cited by Labcorp Genetics (formerly Invitae), Labcorp).